The following is an entry in ClinVar:

ClinVar aggregate classification (germline): Likely benign (1 of 4 stars; one submission).

Conditions:
Very long chain acyl-CoA dehydrogenase deficiency (ACADVLD). Also called: Very Long-Chain Acyl-Coenzyme A Dehydrogenase Deficiency; VLCAD Deficiency. Identifiers: Orphanet 26793, MedGen C3887523, MONDO:0008723, OMIM 201475.

Allele frequency attached by ClinVar (database versions not stated): gnomAD exomes below 0.00001; TOPMed below 0.00001.
gnomAD v4.1: 2 of 1,614,214 alleles (0.00012%); highest among the groups gnomAD compares: Admixed American, 0.0033%; no homozygotes.

Submission:

Wong Mito Lab, Molecular and Human Genetics, Baylor College of Medicine
Classification: Likely benign for Very long chain acyl-CoA dehydrogenase deficiency. Last evaluated: 2019-11-01. Review status: criteria provided, single submitter. Criteria: ACMG Guidelines, 2015. Collection method: clinical testing. Allele origin: germline.
Comment: The NM_000018.3:c.185G>C (NP_000009.1:p.Arg62Thr) [GRCH38: NC_000017.11:g.7220510G>C] variant in ACADVL gene is interpretated to be Likely Benign based on ACMG guidelines (PMID: 25741868). This variant has been reported. This variant meets the following evidence codes reported in the ACMG guidelines: BP5, BP6

NM_000018.4(ACADVL):c.185G>C (p.Arg62Thr)

Gene: ACADVL (acyl-CoA dehydrogenase very long chain; plus strand). Cytogenetic location: 17p13.1.
Variant type: single nucleotide variant.
Coding change: c.185G>C on transcript NM_000018.4 (MANE Select); coding-DNA position 185, G replaced by C.
Protein change: p.Arg62Thr; replaces arginine 62 with threonine.
Molecular consequence: missense variant. On other transcripts: 5 prime UTR variant (1), intron variant (1).
Genome position (GRCh38, 1-based): chr17:7,220,510, G>C. VCF-style: chr17-7220510-G-C. GRCh37 (hg19) VCF-style: chr17-7123829-G-C.
Other names: c.254G>C, p.Arg85Thr (NM_001270447.2); c.-44G>C (NM_001270448.2); c.139-94G>C (NM_001033859.3); short protein forms R85T, R62T.
Identifiers: ClinVar variation 932741 (VCV000932741.2), dbSNP rs1213143512, ClinGen allele CA397722268.
Genomic context (GRCh38, chr17:7,220,510, plus strand): 5'-GTCTCTTTTCCCAGCTGGCTCTGGACAAGTCAGATTCCCACCCCTCTGACGCTCTGACCA[G>C]GAAAAAACCGGCCAAGGCGGTAGGTAGCCCCGAGGCCAGGTGGACCTTAGCCAGACCCAA-3'
Protein context (NP_000009.1, residues 52-72): SDSHPSDALT[Arg62Thr]KKPAKAESKS